The following is an entry in ClinVar:

NM_001042681.2(RERE):c.253C>T (p.Arg85Cys)

Gene: RERE (arginine-glutamic acid dipeptide repeats; minus strand). Cytogenetic location: 1p36.23.
Variant type: single nucleotide variant.
Coding change: c.253C>T on transcript NM_001042681.2 (MANE Select); coding-DNA position 253, C replaced by T.
Protein change: p.Arg85Cys; replaces arginine 85 with cysteine.
Molecular consequence: missense variant.
Genome position (GRCh38, 1-based): chr1:8,656,045, G>A on the plus strand (C>T on the coding strand, the complement: RERE is on the minus strand). VCF-style: chr1-8656045-G-A. GRCh37 (hg19) VCF-style: chr1-8716104-G-A.
Other names: c.253C>T, p.Arg85Cys (NM_012102.4); short protein forms R85C.
Identifiers: ClinVar variation 2511958 (VCV002511958.27), dbSNP rs1421433644, ClinGen allele CA338222786.

ClinVar aggregate classification (germline): Conflicting classifications of pathogenicity. Review status: criteria provided, conflicting classifications (1 of 4 stars). 3 submissions from 3 submitters: Uncertain significance (2); Likely benign (1). Last evaluated 2024-05-21.

Conditions:
Inborn genetic diseases. Identifiers: MedGen C0950123, MeSH D030342.

Allele frequency attached by ClinVar (database versions not stated): gnomAD exomes 0.00001.
gnomAD v4.1: 20 of 1,614,096 alleles (0.0012%); highest among the groups gnomAD compares: South Asian, 0.014%; 1 homozygote.

Submissions (3):

Labcorp Genetics (formerly Invitae), Labcorp
Classification: Uncertain significance. Last evaluated: 2024-05-21. Review status: criteria provided, single submitter. Criteria: Invitae Variant Classification Sherloc (09022015). Collection method: clinical testing. Allele origin: germline.
Comment: This sequence change replaces arginine, which is basic and polar, with cysteine, which is neutral and slightly polar, at codon 85 of the RERE protein (p.Arg85Cys). This variant is present in population databases (no rsID available, gnomAD 0.01%). This variant has not been reported in the literature in individuals affected with RERE-related conditions. ClinVar contains an entry for this variant (Variation ID: 2511958). Advanced modeling of protein sequence and biophysical properties (such as structural, functional, and spatial information, amino acid conservation, physicochemical variation, residue mobility, and thermodynamic stability) has been performed at Invitae for this missense variant, however the output from this modeling did not meet the statistical confidence thresholds required to predict the impact of this variant on RERE protein function. In summary, the available evidence is currently insufficient to determine the role of this variant in disease. Therefore, it has been classified as a Variant of Uncertain Significance.

CeGaT Center for Human Genetics Tuebingen
Classification: Uncertain significance. Last evaluated: 2023-11-01. Review status: criteria provided, single submitter. Criteria: CeGaT Center For Human Genetics Tuebingen Variant Classification Criteria Version 2. Collection method: clinical testing. Allele origin: germline. Affected: yes. Observed: 1 variant allele.

Ambry Genetics
Classification: Likely benign for Inborn genetic diseases. Last evaluated: 2023-03-29. Review status: criteria provided, single submitter. Criteria: Ambry Variant Classification Scheme 2023. Collection method: clinical testing. Allele origin: germline.